The following is an entry in ClinVar:

NM_000263.4(NAGLU):c.2137C>T (p.Gln713Ter)

Gene: NAGLU (N-acetyl-alpha-glucosaminidase; plus strand). Cytogenetic location: 17q21.2.
Variant type: single nucleotide variant.
Coding change: c.2137C>T on transcript NM_000263.4 (MANE Select); coding-DNA position 2137, C replaced by T.
Protein change: p.Gln713Ter; replaces glutamine 713 with a stop codon.
Molecular consequence: nonsense.
Genome position (GRCh38, 1-based): chr17:42,544,143, C>T. VCF-style: chr17-42544143-C-T. GRCh37 (hg19) VCF-style: chr17-40696161-C-T.
Other names: short protein forms Q713*.
Identifiers: ClinVar variation 4058285 (VCV004058285.3).

ClinVar aggregate classification (germline): Conflicting classifications of pathogenicity. Review status: criteria provided, conflicting classifications (1 of 4 stars). 2 submissions from 2 submitters: Likely pathogenic (1); Uncertain significance (1). Last evaluated 2025-02-26.

Conditions:
Mucopolysaccharidosis, MPS-III-B (MPS3B). Also called: N-ACETYL-ALPHA-D-GLUCOSAMINIDASE DEFICIENCY; NAGLU DEFICIENCY; SANFILIPPO SYNDROME B; MPS III B; MPS IIIB (Sanfilippo Syndrome Type B); MUCOPOLYSACCHARIDOSIS, TYPE IIIB. Identifiers: Orphanet 79270, MedGen C0086648, MONDO:0009656, OMIM 252920.

Submissions (2):

Natera, Inc.
Classification: Likely pathogenic for Mucopolysaccharidosis type IIIB. Last evaluated: 2025-02-26. Review status: criteria provided, single submitter. Criteria: Natera Variant Classification Schema (03/2026). Collection method: clinical testing. Allele origin: germline.
Comment: The c.2137C>T variant in NAGLU is a nonsense variant predicted to introduce a stop codon at amino acid 713. This variant is expected to result in nonsense mediated decay, truncation, or a dysfunctional protein product. This variant is rare in the general population with a frequency below the threshold expected for the associated phenotype(s). Given the available evidence, this variant is classified as Likely Pathogenic.

3billion
Classification: Uncertain significance for Mucopolysaccharidosis, MPS-III-B. Last evaluated: 2024-08-08. Review status: criteria provided, single submitter. Criteria: ACMG Guidelines, 2015. Collection method: clinical testing. Allele origin: germline. Affected: yes.
Comment: The variant is not observed in the gnomAD v4.0.0 dataset. Predicted Consequence/Location: Stop-gained (nonsense): predicted to result in a loss or disruption of normal protein function through protein truncation. The predicted truncated protein may be shortened by less than 10%. Therefore, this variant is classified as VUS according to the recommendation of ACMG/AMP guideline.